The following is an entry in ClinVar:

NM_001195263.2(PDZD7):c.301G>A (p.Val101Met)

Gene: PDZD7 (PDZ domain containing 7; minus strand). Cytogenetic location: 10q24.31.
Variant type: single nucleotide variant.
Coding change: c.301G>A on transcript NM_001195263.2 (MANE Select); coding-DNA position 301, G replaced by A.
Protein change: p.Val101Met; replaces valine 101 with methionine.
Molecular consequence: missense variant.
Genome position (GRCh38, 1-based): chr10:101,023,994, C>T on the plus strand (G>A on the coding strand, the complement: PDZD7 is on the minus strand). VCF-style: chr10-101023994-C-T. GRCh37 (hg19) VCF-style: chr10-102783751-C-T.
Other names: c.301G>A, p.Val101Met (NM_001351044.2, NM_024895.5); short protein forms V101M.
Identifiers: ClinVar variation 1003027 (VCV001003027.10), dbSNP rs754095314, ClinGen allele CA5654451.

ClinVar aggregate classification (germline): Uncertain significance (1 of 4 stars; one submission).

Allele frequency attached by ClinVar (database versions not stated): gnomAD 0.00001; gnomAD exomes 0.00001 and 0.00002; ExAC 0.00002; TOPMed 0.00002.
gnomAD v4.1: 16 of 1,614,146 alleles (0.00099%); highest among the groups gnomAD compares: Middle Eastern, 0.016%; no homozygotes.

Submission:

Labcorp Genetics (formerly Invitae), Labcorp
Classification: Uncertain significance. Last evaluated: 2022-10-13. Review status: criteria provided, single submitter. Criteria: Invitae Variant Classification Sherloc (09022015). Collection method: clinical testing. Allele origin: germline.
Comment: This variant has not been reported in the literature in individuals affected with PDZD7-related conditions. In summary, the available evidence is currently insufficient to determine the role of this variant in disease. Therefore, it has been classified as a Variant of Uncertain Significance. Advanced modeling of protein sequence and biophysical properties (such as structural, functional, and spatial information, amino acid conservation, physicochemical variation, residue mobility, and thermodynamic stability) performed at Invitae indicates that this missense variant is not expected to disrupt PDZD7 protein function. ClinVar contains an entry for this variant (Variation ID: 1003027). This variant is present in population databases (rs754095314, gnomAD 0.005%). This sequence change replaces valine, which is neutral and non-polar, with methionine, which is neutral and non-polar, at codon 101 of the PDZD7 protein (p.Val101Met).